The following is an entry in ClinVar:

ClinVar aggregate classification (germline): Uncertain significance. Review status: criteria provided, multiple submitters, no conflicts (2 of 4 stars). 2 submissions from 2 submitters: Uncertain significance (2). Last evaluated 2026-01-26.

Conditions:
PPARG-related disorder. Also called: PPARG-related condition; PPARG-related disorders.

Allele frequency attached by ClinVar (database versions not stated): gnomAD exomes below 0.00001; ExAC 0.00002; TOPMed 0.00003; gnomAD 0.00005; ESP Exome Variant Server 0.00008.
gnomAD v4.1: 12 of 1,613,478 alleles (0.00074%); highest among the groups gnomAD compares: African/African-American, 0.013%; no homozygotes.

Submissions (2):

PreventionGenetics, part of Exact Sciences
Classification: Uncertain significance for PPARG-related condition. Last evaluated: 2026-01-26. Review status: criteria provided, single submitter. Criteria: ACMG Guidelines, 2015. Collection method: clinical testing. Allele origin: germline.
Comment: The PPARG c.271G>A variant is predicted to result in the amino acid substitution p.Ala91Thr. This variant has been reported as benign in a case-control study of Type 2 diabetes (Table 1, Majithia. 2014. PubMed ID: 25157153). In addition, this variant has been reported in a study on hypertriglyceridemia and polygenic risk score (Table S2. Deshotels et al. 2022. PubMed ID: 36325899). This variant is reported in 0.020% of alleles in individuals of African descent in gnomAD. At this time, the clinical significance of this variant is uncertain due to the absence of conclusive functional and genetic evidence.

Labcorp Genetics (formerly Invitae), Labcorp
Classification: Uncertain significance. Last evaluated: 2025-03-24. Review status: criteria provided, single submitter. Criteria: Invitae Variant Classification Sherloc (09022015). Collection method: clinical testing. Allele origin: germline.
Comment: This sequence change replaces alanine, which is neutral and non-polar, with threonine, which is neutral and polar, at codon 91 of the PPARG protein (p.Ala91Thr). This variant is present in population databases (rs140915035, gnomAD 0.01%). This missense change has been observed in individual(s) with dyslipidemia (PMID: 36325899). This variant is also known as c.187G>A (p.Ala63Thr). ClinVar contains an entry for this variant (Variation ID: 1969349). Invitae Evidence Modeling of protein sequence and biophysical properties (such as structural, functional, and spatial information, amino acid conservation, physicochemical variation, residue mobility, and thermodynamic stability) indicates that this missense variant is not expected to disrupt PPARG protein function with a negative predictive value of 95%. Experimental studies have shown that this missense change does not substantially affect PPARG function (PMID: 25157153). In summary, the available evidence is currently insufficient to determine the role of this variant in disease. Therefore, it has been classified as a Variant of Uncertain Significance.

Literature cited by the submitters: PubMed 36325899 (cited by Labcorp Genetics (formerly Invitae), Labcorp); PubMed 25157153 (cited by Labcorp Genetics (formerly Invitae), Labcorp).

NM_138711.6(PPARG):c.181G>A (p.Ala61Thr)

Gene: PPARG (peroxisome proliferator activated receptor gamma; plus strand). Cytogenetic location: 3p25.2.
Variant type: single nucleotide variant.
Coding change: c.181G>A on transcript NM_138711.6 (MANE Select); coding-DNA position 181, G replaced by A.
Protein change: p.Ala61Thr; replaces alanine 61 with threonine.
Molecular consequence: missense variant. On other transcripts: 5 prime UTR variant (1).
Genome position (GRCh38, 1-based): chr3:12,379,892, G>A. VCF-style: chr3-12379892-G-A. GRCh37 (hg19) VCF-style: chr3-12421391-G-A.
Other names: c.271G>A (NM_015869.4); c.181G>A, p.Ala61Thr (NM_001330615.4, NM_001354666.3, NM_001354667.3 and 6 more transcripts); c.271G>A, p.Ala91Thr (NM_001354668.2, NM_001374265.1, NM_015869.5); c.-247G>A (NM_001354669.2); c.187G>A, p.Ala63Thr (NM_001354670.2, NM_001374266.1); short protein forms A61T, A63T, A91T.
Identifiers: ClinVar variation 1969349 (VCV001969349.6), dbSNP rs140915035, ClinGen allele CA2258111.